The following is an entry in ClinVar:

NM_013352.4(DSE):c.2650C>T (p.Arg884Trp)

Gene: DSE (dermatan sulfate epimerase; plus strand). Cytogenetic location: 6q22.1.
Variant type: single nucleotide variant.
Coding change: c.2650C>T on transcript NM_013352.4 (MANE Select); coding-DNA position 2650, C replaced by T.
Protein change: p.Arg884Trp; replaces arginine 884 with tryptophan.
Molecular consequence: missense variant. On other transcripts: 3 prime UTR variant (2), non-coding transcript variant (1).
Genome position (GRCh38, 1-based): chr6:116,437,118, C>T. VCF-style: chr6-116437118-C-T. GRCh37 (hg19) VCF-style: chr6-116758281-C-T.
Other names: c.2650C>T, p.Arg884Trp (NM_001080976.3, NM_001322937.2, NM_001322938.2); c.2707C>T, p.Arg903Trp (NM_001322939.2); c.2089C>T, p.Arg697Trp (NM_001322940.2, NM_001322941.2); c.*1515C>T (NM_001322943.2, NM_001322944.2); c.1651C>T, p.Arg551Trp (NM_001374520.1); c.1615C>T, p.Arg539Trp (NM_001374521.1); c.2650C>T (NM_013352.2); short protein forms R551W, R884W, R903W, R697W, R539W.
Identifiers: ClinVar variation 2059132 (VCV002059132.2), dbSNP rs769866630, ClinGen allele CA3969851.

ClinVar aggregate classification (germline): Uncertain significance. Review status: criteria provided, multiple submitters, no conflicts (2 of 4 stars). 2 submissions from 2 submitters: Uncertain significance (2). Last evaluated 2026-02-03.

Conditions:
Ehlers-Danlos syndrome, musculocontractural type 2 (EDSMC2). Identifiers: Orphanet 2953, MedGen C3809845, MONDO:0014236, OMIM 615539.

Allele frequency attached by ClinVar (database versions not stated): gnomAD 0.00001; gnomAD exomes 0.00002; ExAC 0.00003.

Submissions (2):

GeneDx
Classification: Uncertain significance. Last evaluated: 2026-02-03. Review status: criteria provided, single submitter. Criteria: GeneDx Variant Classification Process June 2021. Collection method: clinical testing. Allele origin: germline.
Comment: Not observed at significant frequency in large population cohorts (gnomAD); In silico analysis suggests that this missense variant does not alter protein structure/function; Has not been previously published as pathogenic or benign to our knowledge

Labcorp Genetics (formerly Invitae), Labcorp
Classification: Uncertain significance for Ehlers-Danlos syndrome, musculocontractural type 2. Last evaluated: 2021-12-29. Review status: criteria provided, single submitter. Criteria: Invitae Variant Classification Sherloc (09022015). Collection method: clinical testing. Allele origin: germline.
Comment: This sequence change replaces arginine, which is basic and polar, with tryptophan, which is neutral and slightly polar, at codon 884 of the DSE protein (p.Arg884Trp). This variant is present in population databases (rs769866630, gnomAD 0.006%). This variant has not been reported in the literature in individuals affected with DSE-related conditions. Algorithms developed to predict the effect of missense changes on protein structure and function are either unavailable or do not agree on the potential impact of this missense change (SIFT: "Not Available"; PolyPhen-2: "Benign"; Align-GVGD: "Not Available"). In summary, the available evidence is currently insufficient to determine the role of this variant in disease. Therefore, it has been classified as a Variant of Uncertain Significance.